The following is an entry in ClinVar:

ClinVar aggregate classification (germline): Uncertain significance (1 of 4 stars; one submission).

Conditions:
Multiple synostoses syndrome 2 (SYNS2). Identifiers: Orphanet 3237, MedGen C1832708, MONDO:0012394, OMIM 610017.
Type A2 brachydactyly (BDA2). Also called: BRACHYMESOPHALANGY II; MOHR-WRIEDT TYPE BRACHYDACTYLY; Brachymesophalangy type 2. Identifiers: Orphanet 93396, MedGen C1832702, MONDO:0007216, OMIM 112600, HP:0009372.
Brachydactyly type C (BDC). Identifiers: Orphanet 93384, MedGen C1862103, MONDO:0007221, OMIM 113100, HP:0009373.
Grebe syndrome. Also called: ACROMESOMELIC DYSPLASIA, GREBE TYPE; GREBE DYSPLASIA; ACROMESOMELIC DYSPLASIA 2A. Identifiers: Orphanet 2098, MedGen C0265260, MONDO:0008703, OMIM 200700.
Symphalangism, proximal, 1B (SYM1B). Identifiers: Orphanet 3250, MedGen C3809104, MONDO:0014125, OMIM 615298.
Brachydactyly type A1C. Also called: Brachydactyly, type a1, c. Identifiers: Orphanet 93388, MedGen C3554446, MONDO:0014032, OMIM 615072.
Acromesomelic dysplasia 2B. Also called: DU PAN SYNDROME. Identifiers: Orphanet 2639, MedGen C1856738, MONDO:0009231, OMIM 228900.
Osteoarthritis susceptibility 5 (OS5). Identifiers: MedGen C4759728, MONDO:0012893, OMIM 612400.
Acromesomelic dysplasia 2C, Hunter-Thompson type. Also called: Acromesomelic dysplasia, Hunter-Thompson type. Identifiers: Orphanet 968, MedGen C2930970, MONDO:0008717, OMIM 201250.

Submission:

Juno Genomics, Hangzhou Juno Genomics, Inc
Classification: Uncertain significance for Symphalangism, proximal, 1B; Acromesomelic dysplasia 2C, Hunter-Thompson type; Osteoarthritis susceptibility 5; Grebe syndrome; Acromesomelic dysplasia 2B; Brachydactyly type A1C; Type A2 brachydactyly; Brachydactyly type C; Multiple synostoses syndrome 2. Review status: criteria provided, single submitter. Criteria: ACMG Guidelines, 2015. Collection method: clinical testing. Allele origin: germline.
Comment: Null variant in a gene where loss of function (LOF) is a known mechanism of disease.;Absent from controls (or at extremely low frequency if recessive) in Genome Aggregation Database.

NM_000557.5(GDF5):c.926_929dup (p.Leu311fs)

Genes: GDF5 (growth differentiation factor 5; minus strand), GDF5-AS1 (GDF5 antisense RNA 1; plus strand). Cytogenetic location: 20q11.22.
Variant type: Microsatellite.
Coding change: c.926_929dup on transcript NM_000557.5 (MANE Select); coding-DNA positions 926 to 929, 4 bases duplicated (TGTG; older notation c.926_929dupTGTG).
Protein change: p.Leu311fs; shifts the reading frame from leucine 311.
Molecular consequence: frameshift variant. On other transcripts: non-coding transcript variant (1).
Genome position (GRCh38, 1-based): chr20:35,434,486-35,434,489, CACA duplicated on the plus strand (TGTG on the coding strand, the reverse complement: GDF5 is on the minus strand). VCF-style (leftmost placement, unchanged base first): chr20-35434485-G-GCACA. GRCh37 (hg19) VCF-style: chr20-34022283-G-GCACA.
Other names: c.926_929dup, p.Leu311fs (NM_001319138.2); short protein forms L311fs.
Identifiers: ClinVar variation 5006372 (VCV005006372.2).